The following is an entry in ClinVar:

ClinVar aggregate classification (germline): Uncertain significance (1 of 4 stars; one submission).

Allele frequency attached by ClinVar (database versions not stated): TOPMed below 0.00001; gnomAD 0.00001; gnomAD exomes 0.00001; ExAC 0.00002; ESP Exome Variant Server 0.00008.
gnomAD v4.1: 13 of 1,614,046 alleles (0.00081%); highest among the groups gnomAD compares: Middle Eastern, 0.033%; no homozygotes.

Submission:

Labcorp Genetics (formerly Invitae), Labcorp
Classification: Uncertain significance. Last evaluated: 2022-08-09. Review status: criteria provided, single submitter. Criteria: Invitae Variant Classification Sherloc (09022015). Collection method: clinical testing. Allele origin: germline.
Comment: This sequence change replaces alanine, which is neutral and non-polar, with threonine, which is neutral and polar, at codon 1081 of the SPEG protein (p.Ala1081Thr). This variant is present in population databases (rs376615999, gnomAD 0.01%). This variant has not been reported in the literature in individuals affected with SPEG-related conditions. Algorithms developed to predict the effect of missense changes on protein structure and function are either unavailable or do not agree on the potential impact of this missense change (SIFT: "Deleterious"; PolyPhen-2: "Probably Damaging"; Align-GVGD: "Class C0"). In summary, the available evidence is currently insufficient to determine the role of this variant in disease. Therefore, it has been classified as a Variant of Uncertain Significance.

NM_005876.5(SPEG):c.3241G>A (p.Ala1081Thr)

Gene: SPEG (striated muscle enriched protein kinase; plus strand). Cytogenetic location: 2q35.
Variant type: single nucleotide variant.
Coding change: c.3241G>A on transcript NM_005876.5 (MANE Select); coding-DNA position 3241, G replaced by A.
Protein change: p.Ala1081Thr; replaces alanine 1081 with threonine.
Molecular consequence: missense variant.
Genome position (GRCh38, 1-based): chr2:219,468,676, G>A. VCF-style: chr2-219468676-G-A. GRCh37 (hg19) VCF-style: chr2-220333398-G-A.
Other names: short protein forms A1081T.
Identifiers: ClinVar variation 1943448 (VCV001943448.2), dbSNP rs376615999, ClinGen allele CA2126101.